The following is an entry in ClinVar:

ClinVar aggregate classification (germline): Pathogenic. Review status: criteria provided, multiple submitters, no conflicts (2 of 4 stars). 2 submissions from 2 submitters: Pathogenic (2). Last evaluated 2022-04-20.

Conditions:
Tuberous sclerosis 2 (TSC2). Identifiers: Orphanet 805, MedGen C1860707, MONDO:0013199, OMIM 613254.

Submissions (2):

ARUP Laboratories, Molecular Genetics and Genomics, ARUP Laboratories
Classification: Pathogenic. Last evaluated: 2022-04-20. Review status: criteria provided, single submitter. Criteria: ARUP Molecular Germline Variant Investigation Process 2021. Collection method: clinical testing. Allele origin: germline.
Comment: The TSC2 c.1817delT; p.Ile606ThrfsTer92 variant, to our knowledge, is not reported in the medical literature or gene specific databases. This variant is also absent from the Genome Aggregation Database, indicating it is not a common polymorphism. This variant causes a frameshift by deleting a single nucleotide, so it is predicted to result in a truncated protein or mRNA subject to nonsense-mediated decay. Additionally, several downstream truncating variants have been described in individuals with tuberous sclerosis complex and are considered pathogenic (Ding 2020, Sancak 2005). Based on available information, this variant is considered to be pathogenic. References: Ding Y et al. Genotype and Phenotype Analysis of Chinese Children With Tuberous Sclerosis Complex: A Pediatric Cohort Study. Front Genet. 2020 Mar 10;11:204. PMID: 32211034. Sancak O et al. Mutational analysis of the TSC1 and TSC2 genes in a diagnostic setting: genotype--phenotype correlations and comparison of diagnostic DNA techniques in Tuberous Sclerosis Complex. Eur J Hum Genet. 2005 Jun;13(6):731-41. PMID: 15798777.

Labcorp Genetics (formerly Invitae), Labcorp
Classification: Pathogenic for Tuberous sclerosis 2. Last evaluated: 2022-03-27. Review status: criteria provided, single submitter. Criteria: Invitae Variant Classification Sherloc (09022015). Collection method: clinical testing. Allele origin: germline.
Comment: This sequence change creates a premature translational stop signal (p.Ile606Thrfs*92) in the TSC2 gene. It is expected to result in an absent or disrupted protein product. Loss-of-function variants in TSC2 are known to be pathogenic (PMID: 10205261, 17304050). This variant is not present in population databases (gnomAD no frequency). This variant has not been reported in the literature in individuals affected with TSC2-related conditions. For these reasons, this variant has been classified as Pathogenic.

Literature cited by the submitters: PubMed 10205261 (cited by Labcorp Genetics (formerly Invitae), Labcorp); PubMed 17304050 (cited by Labcorp Genetics (formerly Invitae), Labcorp).

NM_000548.5(TSC2):c.1817del (p.Ile606fs)

Gene: TSC2 (TSC complex subunit 2; plus strand). Cytogenetic location: 16p13.3.
Variant type: Deletion.
Coding change: c.1817del on transcript NM_000548.5 (MANE Select); coding-DNA position 1817, one base deleted (T; older notation c.1817delT).
Protein change: p.Ile606fs; shifts the reading frame from isoleucine 606.
Molecular consequence: frameshift variant.
Genome position (GRCh38, 1-based): chr16:2,070,556, T deleted. VCF-style (leftmost placement, unchanged base first): chr16-2070555-AT-A. GRCh37 (hg19) VCF-style: chr16-2120556-AT-A.
Other names: c.1817del, p.Ile606fs (NM_001077183.3, NM_001114382.3, NM_001363528.2 and 3 more transcripts); c.1706del, p.Ile569fs (NM_001318827.2); c.1670del, p.Ile557fs (NM_001318829.2); c.1217del, p.Ile406fs (NM_001318831.2); c.1850del, p.Ile617fs (NM_001318832.2); c.1817delT, p.Ile606Thrfs (NM_001406663.1, NM_001406664.1, NM_001406665.1); c.1217delT, p.Ile406Thrfs (NM_001406685.1, NM_001406686.1, NM_001406687.1 and 5 more transcripts); c.473delT, p.Ile158Thrfs (NM_001406689.1, NM_001406690.1, NM_001406691.1 and 6 more transcripts); and 7 more; short protein forms I406fs, I557fs, I606fs, I617fs, I569fs.
Identifiers: ClinVar variation 2118178 (VCV002118178.7), dbSNP rs2543631409, ClinGen allele CA2580090589.
Genomic context (GRCh38, chr16:2,070,555, plus strand): 5'-GTGTATGAGATGCTGGTCAGCCACATTCAGCTCCACTACAAGCACAGCTACACCCTGCCA[AT>A]CGCGAGCAGCATCCGGCTGCAGGTATGGTGGCTGGGGTTGCGCAGCCAGTTCCTGGGGGC-3'